The following continues an entry in ClinVar:

NM_014249.4(NR2E3):c.227G>A (p.Arg76Gln)

Gene: NR2E3. ClinVar aggregate classification (germline): Pathogenic/Likely pathogenic. Pathogenic (18); Likely pathogenic (3).

Submissions 17 to 26 of 26:

Laboratory for Molecular Medicine, Mass General Brigham Personalized Medicine
Classification: Likely pathogenic for Goldmann-Favre syndrome. Last evaluated: 2020-07-03. Review status: criteria provided, single submitter. Criteria: LMM Criteria. Collection method: clinical testing. Allele origin: germline. Inheritance: Autosomal recessive inheritance. Observed: 2 variant alleles.
Comment: The p.Arg76Gln variant in NR2E3 has been reported in at least 3 homozygous and 2 compound heterozygous individuals with retinal disorders (Haider 2000 PMID: 10655056, Schorderet 2009 PMID: 10655056, Li 2017 PMID: 28418496, Stone 2017 PMID: 28559085, Murro 2019 PMID: 30324420). It has also been identified in 0.038% (45/119410) of European chromosomes by gnomAD. However, this frequency is low enough to be consistent with a recessive allele frequency. This variant has also been reported in ClinVar (Variation ID: 5530). Computational prediction tools and conservation analyses do not provide strong support for or against an impact to the protein. In vitro functional studies provide evidence that this variant impacts protein function (Kanda 2009 PMID: 19898638, Roduit 2009 PMID: 19823680); however, these types of assays may not accurately represent biological function. Another variant involving this codon (p.Arg76Trp) has been identified in individuals with retinal disease, suggesting change at this residue may not be tolerated. In summary, although additional studies are required to fully establish its clinical significance, this variant meets criteria to be classified as likely pathogenic for autosomal recessive Enhanced S-Cone syndrome. ACMG/AMP Criteria applied: PM3_Strong, PS3_Moderate.

Victorian Clinical Genetics Services, Murdoch Childrens Research Institute
Classification: Likely pathogenic for Retinitis pigmentosa 37. Last evaluated: 2019-08-28. Review status: criteria provided, single submitter. Criteria: ACMG Guidelines, 2015. Collection method: clinical testing. Allele origin: germline. Affected: yes.
Comment: A homozygous missense variant was identified, NM_014249.3(NR2E3):c.227G>A in exon 2 of 8 of the NR2E3 gene. This substitution is predicted to create a minor amino acid change from an arginine to glutamine at position 76 of the protein, NP_055064.1(NR2E3):p.(Arg76Gln). The arginine at this position has moderate conservation (100 vertebrates, UCSC). It is located within the NR_DBD_like domain and is a putative DNA binding site. In silico software predicts this variant to be damaging (Polyphen, SIFT, CADD). The variant is present in the gnomAD population database at a frequency of 0.02% (56 heterozygotes, 0 homozygotes). An alternative residue change at the same location to a tryptophan has been reported in the gnomAD database at a frequency of 0.003% (9 heterozygote, 0 homozygotes). The variant has been previously reported pathogenic in patients with retinal dystrophy (Li L. et al. (2017); Murro, V. et al. (2019)). In addition, functional studies show that this variant increased NR2E3 dimer formation, decreased NR2E3-CRX interaction, abolished DNA binding and impaired transcriptional activity of NR2E3 (Roduit R. et al. (2009)). A different variant in the same codon resulting in a change to tryptophan has been shown to cause enhanced S-cone syndrome (ClinVar). Based on information available at the time of curation, this variant has been classified as LIKELY PATHOGENIC.

Centre for Mendelian Genomics, University Medical Centre Ljubljana
Classification: Pathogenic for ENHANCED S-CONE SYNDROME 1. Last evaluated: 2019-03-12. Review status: criteria provided, single submitter. Criteria: ACMG Guidelines, 2015. Collection method: clinical testing. Allele origin: unknown. Affected: yes.
Comment: This variant was classified as: Pathogenic. The following ACMG criteria were applied in classifying this variant: PS1,PM1,PM2,PM5.

Clinical Genetics Service, Universitary Hospital 12 de Octubre
Classification: Pathogenic for ENHANCED S-CONE SYNDROME 1. Review status: criteria provided, single submitter. Criteria: ACMG Guidelines, 2015. Collection method: clinical testing. Allele origin: germline. Affected: yes.

Juno Genomics, Hangzhou Juno Genomics, Inc
Classification: Pathogenic for Retinitis pigmentosa 37. Review status: criteria provided, single submitter. Criteria: ACMG Guidelines, 2015. Collection method: clinical testing. Allele origin: germline. Affected: yes.
Comment: Absent from controls (or at extremely low frequency if recessive) in Genome Aggregation Database.;Novel missense change at an amino acid residue where a different missense change determined to be pathogenic has been seen before.;For recessive disorders, detected in trans with a pathogenic variant.;Co-segregation with disease in multiple affected family members.;Patient's phenotype or family history is highly specific for a disease with a single genetic etiology.

Counsyl
Classification: Uncertain significance for Retinitis pigmentosa 37; ENHANCED S-CONE SYNDROME 1. Last evaluated: 2017-07-10. Review status: no assertion criteria provided. Collection method: clinical testing. Allele origin: unknown. Not counted in ClinVar's aggregate classification.

OMIM
Classification: Pathogenic for ENHANCED S-CONE SYNDROME 1. Last evaluated: 2000-02-01. Review status: no assertion criteria provided. Collection method: literature only. Allele origin: germline. Not counted in ClinVar's aggregate classification.

Clinical Genetics DNA and cytogenetics Diagnostics Lab, Erasmus MC, Erasmus Medical Center
Classification: Pathogenic. Review status: no assertion criteria provided. Collection method: clinical testing. Allele origin: germline. Affected: yes. Study: VKGL Data-share Consensus. Not counted in ClinVar's aggregate classification.

Clinical Genetics, Academic Medical Center
Classification: Pathogenic. Review status: no assertion criteria provided. Collection method: clinical testing. Allele origin: germline. Affected: yes. Study: VKGL Data-share Consensus. Not counted in ClinVar's aggregate classification.

Joint Genome Diagnostic Labs from Nijmegen and Maastricht, Radboudumc and MUMC+
Classification: Pathogenic. Review status: no assertion criteria provided. Collection method: clinical testing. Allele origin: germline. Affected: yes. Study: VKGL Data-share Consensus. Not counted in ClinVar's aggregate classification.

Literature cited by the submitters: PubMed 30324420 (cited by 3 submitters); PubMed 19823680 (cited by 5 submitters); PubMed 19898638 (cited by 5 submitters); PubMed 27013732 (cited by 3 submitters); PubMed 10655056 (cited by 5 submitters); PubMed 32679203 (cited by Natera, Inc. and Institute of Human Genetics, Univ. Regensburg, Univ. Regensburg); PubMed 28418496 (cited by 4 submitters); PubMed 28559085 (cited by Institute of Human Genetics, Univ. Regensburg, Univ. Regensburg and Laboratory for Molecular Medicine, Mass General Brigham Personalized Medicine); PubMed 31964843 (cited by Institute of Human Genetics, Univ. Regensburg, Univ. Regensburg); PubMed 31980526 (cited by Institute of Human Genetics, Univ. Regensburg, Univ. Regensburg); PubMed 32531858 (cited by Institute of Human Genetics, Univ. Regensburg, Univ. Regensburg); PubMed 34426522 (cited by Institute of Human Genetics, Univ. Regensburg, Univ. Regensburg); PubMed 19718767 (cited by Laboratory for Molecular Medicine, Mass General Brigham Personalized Medicine); PubMed 26229699 (cited by Laboratory for Molecular Medicine, Mass General Brigham Personalized Medicine and Counsyl); PubMed 25999674 (cited by Laboratory for Molecular Medicine, Mass General Brigham Personalized Medicine and Counsyl); PubMed 23591405 (cited by Laboratory for Molecular Medicine, Mass General Brigham Personalized Medicine and Counsyl); PubMed 17564971 (cited by Counsyl).